The following is an entry in ClinVar:

ClinVar aggregate classification (germline): Uncertain significance (1 of 4 stars; one submission).

Conditions:
Erythrocytosis, familial, 4 (ECYT4). Identifiers: Orphanet 247511, MedGen C2673187, MONDO:0012729, OMIM 611783.

gnomAD v4.1: 28 of 1,614,172 alleles (0.0017%); highest among the groups gnomAD compares: South Asian, 0.02%; no homozygotes.

Submission:

Neuberg Centre For Genomic Medicine, NCGM
Classification: Uncertain significance for Erythrocytosis, familial, 4. Last evaluated: 2023-06-22. Review status: criteria provided, single submitter. Criteria: ACMG Guidelines, 2015. Collection method: clinical testing. Allele origin: germline. Inheritance: Autosomal dominant inheritance. Affected: yes.
Comment: The missense variant c.605A>G(p.Tyr202Cys) in the EPAS1 gene has not been reported previously as a pathogenic variant nor as a benign variant, to our knowledge. This variant is reported with the allele frequency (0.001%) in the gnomAD Exomes. The amino acid Tyr at position 202 is changed to a Cys changing protein sequence and it might alter its composition and physico-chemical properties. Computational evidence (Polyphen, SIFT and MutationTaster) predicts conflicting evidence on protein structure and function for this variant. The amino acid change p.Tyr202Cys in EPAS1 is predicted as conserved by GERP++ and PhyloP across 100 vertebrates. For these reasons, this variant has been classified as Uncertain Significance.

NM_001430.5(EPAS1):c.605A>G (p.Tyr202Cys)

Genes: EPAS1 (endothelial PAS domain protein 1; plus strand), LOC126806210 (BRD4-independent group 4 enhancer GRCh37_chr2:46587586-46588785; plus strand). Cytogenetic location: 2p21.
Variant type: single nucleotide variant.
Coding change: c.605A>G on transcript NM_001430.5 (MANE Select); coding-DNA position 605, A replaced by G.
Protein change: p.Tyr202Cys; replaces tyrosine 202 with cysteine.
Molecular consequence: missense variant.
Genome position (GRCh38, 1-based): chr2:46,360,916, A>G. VCF-style: chr2-46360916-A-G. GRCh37 (hg19) VCF-style: chr2-46588055-A-G.
Other names: short protein forms Y202C.
Identifiers: ClinVar variation 3377708 (VCV003377708.1).
Genomic context (GRCh38, chr2:46,360,916, plus strand): 5'-CATGTCTGACCCTTCCACGCCTGTCTCAGGTCTTGCACTGCACGGGCCAGGTGAAAGTCT[A>G]CAACAACTGCCCTCCTCACAATAGTCTGTGTGGCTACAAGGAGCCCCTGCTGTCCTGCCT-3'
Protein context (NP_001421.2, residues 192-212): VLHCTGQVKV[Tyr202Cys]NNCPPHNSLC